The following is an entry in ClinVar:

NM_000212.3(ITGB3):c.263G>A (p.Arg88Gln)

Gene: ITGB3 (integrin subunit beta 3; plus strand). Cytogenetic location: 17q21.32.
Variant type: single nucleotide variant.
Coding change: c.263G>A on transcript NM_000212.3 (MANE Select); coding-DNA position 263, G replaced by A.
Protein change: p.Arg88Gln; replaces arginine 88 with glutamine.
Molecular consequence: missense variant.
Genome position (GRCh38, 1-based): chr17:47,283,451, G>A. VCF-style: chr17-47283451-G-A. GRCh37 (hg19) VCF-style: chr17-45360817-G-A.
Other names: NM_000212.3(ITGB3):c.263G>A; p.Arg88Gln; short protein forms R88Q.
Identifiers: ClinVar variation 627290 (VCV000627290.7), dbSNP rs200358667, ClinGen allele CA8622904.

ClinVar aggregate classification (germline): Uncertain significance. Review status: reviewed by expert panel (3 of 4 stars). 4 submissions from 4 submitters: Uncertain significance (1). 3 of the submissions do not count toward it. Last evaluated 2025-04-15.

Conditions:
Glanzmann thrombasthenia. Also called: THROMBASTHENIA OF GLANZMANN AND NAEGELI; Thrombasthenia; PLATELET GLYCOPROTEIN IIb-IIIa DEFICIENCY; Glanzmann's thrombasthenia. Identifiers: Orphanet 849, MedGen C0040015, MONDO:0100326.
ITGB3-related disorder. Also called: ITGB3-related condition.

Allele frequency attached by ClinVar (database versions not stated): gnomAD 0.00005; gnomAD exomes 0.00005; TOPMed 0.00005; ExAC 0.00007.

Submissions (4):

ClinGen Platelet Disorders Variant Curation Expert Panel, ClinGen
Classification: Uncertain significance for Glanzmann thrombasthenia. Last evaluated: 2025-04-15. Review status: reviewed by expert panel. Criteria: ClinGen Platelet ACMG Specifications v2-1. Collection method: curation. Allele origin: germline. Inheritance: Autosomal recessive inheritance.
Comment: The NM_000212.3(ITGB3):c.263G>A variant in ITGB3 is a missense variant predicted to cause substitution of arginine by glutamine at amino acid 88 (Arg88Gln). One patient with the heterozygous Arg88Gln variant and a platelet function defect in PMID: 31064749; however other information such as bleeding history, platelet aggregometry or glycoprotein expression is not available. PP4 criteria not met. The variant is described as a platelet antigen in the literature, determining the HPA-10 genotype. The computational predictor REVEL gives a score of 0.167, which is below the ClinGen PD VCEP threshold of <0.25 and predicts no damaging effect on ITGB3 function and no splicing impact is expected (SpliceAI predicts a donor gain at at -14bp with a delta score of 0.04) (BP4). The highest population minor allele frequency in gnomAD v4.1 is 0.00006682 (3/44894 alleles) in the East Asian population, which is lower than the ClinGen PD VCEP threshold (<0.0001; PM2_Supporting). Due to insufficient and conflicting evidence, this variant is classified as a variant of unknown significance for autosomal recessive Glanzmann Thrombasthenia based on the ACMG/AMP criteria applied, as specified by the ClinGen PD-VCEP: BP4, PM2. ( VCEP specifications version 2)

PreventionGenetics, part of Exact Sciences
Classification: Uncertain significance for ITGB3-related condition. Last evaluated: 2026-02-09. Review status: criteria provided, single submitter. Criteria: ACMG Guidelines, 2015. Collection method: clinical testing. Allele origin: germline. Not counted in ClinVar's aggregate classification.
Comment: The ITGB3 c.263G>A variant is predicted to result in the amino acid substitution p.Arg88Gln. This variant was reported in a bleeding, thrombotic and platelet disorders cohort study (Supplemental Table 3, Downes et al. 2019. PubMed ID: 31064749). This variant is reported in 0.015% of alleles in individuals of East Asian descent in gnomAD. At this time, the clinical significance of this variant is uncertain due to the absence of conclusive functional and genetic evidence.

Labcorp Genetics (formerly Invitae), Labcorp
Classification: Uncertain significance. Last evaluated: 2025-04-17. Review status: criteria provided, single submitter. Criteria: Invitae Variant Classification Sherloc (09022015). Collection method: clinical testing. Allele origin: germline. Not counted in ClinVar's aggregate classification.
Comment: This sequence change replaces arginine, which is basic and polar, with glutamine, which is neutral and polar, at codon 88 of the ITGB3 protein (p.Arg88Gln). This variant is present in population databases (rs200358667, gnomAD 0.02%). This missense change has been observed in individual(s) with macrothrombocytopenia (PMID: 31064749). ClinVar contains an entry for this variant (Variation ID: 627290). Invitae Evidence Modeling of protein sequence and biophysical properties (such as structural, functional, and spatial information, amino acid conservation, physicochemical variation, residue mobility, and thermodynamic stability) indicates that this missense variant is not expected to disrupt ITGB3 protein function with a negative predictive value of 95%. In summary, the available evidence is currently insufficient to determine the role of this variant in disease. Therefore, it has been classified as a Variant of Uncertain Significance.

NIHR Bioresource Rare Diseases, University of Cambridge
Classification: Uncertain significance for Glanzmann thrombasthenia 1. Last evaluated: 2019-02-01. Review status: criteria provided, single submitter. Criteria: ACMG Guidelines, 2015. Collection method: research. Allele origin: unknown. Affected: yes. Observed: 1 heterozygote. Study: ThromboGenomics. Not counted in ClinVar's aggregate classification.

Literature cited by the submitters: PubMed 31064749 (cited by Labcorp Genetics (formerly Invitae), Labcorp and NIHR Bioresource Rare Diseases, University of Cambridge).